The following is an entry in ClinVar:

NM_001110556.2(FLNA):c.1720T>C (p.Cys574Arg)

Gene: FLNA (filamin A; minus strand). Cytogenetic location: Xq28.
Variant type: single nucleotide variant.
Coding change: c.1720T>C on transcript NM_001110556.2 (MANE Select); coding-DNA position 1720, T replaced by C.
Protein change: p.Cys574Arg; replaces cysteine 574 with arginine.
Molecular consequence: missense variant.
Genome position (GRCh38, 1-based): chrX:154,364,929, A>G on the plus strand (T>C on the coding strand, the complement: FLNA is on the minus strand). VCF-style: chrX-154364929-A-G. GRCh37 (hg19) VCF-style: chrX-153593297-A-G.
Other names: c.1720T>C, p.Cys574Arg (NM_001456.4); c.1720T>C (NM_001456.3); short protein forms C574R.
Identifiers: ClinVar variation 2145542 (VCV002145542.8), dbSNP rs782782483, ClinGen allele CA10561091.

ClinVar aggregate classification (germline): Conflicting classifications of pathogenicity. Review status: criteria provided, conflicting classifications (1 of 4 stars). 3 submissions from 3 submitters: Uncertain significance (1); Benign (1); Likely benign (1). Last evaluated 2026-03-12.

Conditions:
Heterotopia, periventricular, X-linked dominant (PVNH1). Also called: PERIVENTRICULAR NODULAR HETEROTOPIA 1; X-linked periventricular heterotopia; PERIVENTRICULAR NODULAR HETEROTOPIA 4; HETEROTOPIA, PERIVENTRICULAR, 1. Identifiers: Orphanet 2149, Orphanet 82004, MedGen C1848213, MONDO:0010233, OMIM 300049.
Oto-palato-digital syndrome, type II (OPD2). Also called: OPD II SYNDROME; FACIOPALATOOSSEOUS SYNDROME; Otopalatodigital Syndrome, Type II; Otopalatodigital Syndrome Type 2 (FLNA-OPD2). Identifiers: Orphanet 669, Orphanet 90652, MedGen C1844696, MONDO:0010571, OMIM 304120.
Frontometaphyseal dysplasia (FMD1). Identifiers: Orphanet 1826, MedGen C0265293, MONDO:0015942.
Melnick-Needles syndrome (MNS). Also called: OSTEODYSPLASTY OF MELNICK AND NEEDLES; MELNICK-NEEDLES OSTEODYSPLASTY; Melnick-Needles Syndrome (FLNA-MNS). Identifiers: Orphanet 2484, MedGen C0025237, MONDO:0010650, OMIM 309350.
Familial thoracic aortic aneurysm and aortic dissection (TAAD). Also called: Thoracic aortic aneurysms and dissections. Identifiers: Orphanet 91387, MedGen C4707243, MONDO:0019625.

Allele frequency attached by ClinVar (database versions not stated): gnomAD exomes 0.00007; ExAC 0.00016.

Submissions (3):

Ambry Genetics
Classification: Uncertain significance for Familial thoracic aortic aneurysm and aortic dissection. Last evaluated: 2026-03-12. Review status: criteria provided, single submitter. Criteria: Ambry Variant Classification Scheme 2023. Collection method: clinical testing. Allele origin: germline.
Comment: The p.C574R variant (also known as c.1720T>C), located in coding exon 11 of the FLNA gene, results from a T to C substitution at nucleotide position 1720. The cysteine at codon 574 is replaced by arginine, an amino acid with highly dissimilar properties. This amino acid position is conserved. In addition, this alteration is predicted to be tolerated by in silico analysis. Based on the available evidence, the clinical significance of this variant remains unclear.

Labcorp Genetics (formerly Invitae), Labcorp
Classification: Benign for Oto-palato-digital syndrome, type II; Heterotopia, periventricular, X-linked dominant; Frontometaphyseal dysplasia; Melnick-Needles syndrome. Last evaluated: 2026-01-17. Review status: criteria provided, single submitter. Criteria: Invitae Variant Classification Sherloc (09022015). Collection method: clinical testing. Allele origin: germline.

Blueprint Genetics
Classification: Likely benign. Last evaluated: 2024-06-28. Review status: criteria provided, single submitter. Criteria: ACMG Guidelines, 2015. Collection method: clinical testing. Allele origin: germline.